The following is an entry in ClinVar:

NM_005751.5(AKAP9):c.9220G>A (p.Glu3074Lys)

Gene: AKAP9 (A-kinase anchoring protein 9; plus strand). Cytogenetic location: 7q21.2.
Variant type: single nucleotide variant.
Coding change: c.9220G>A on transcript NM_005751.5 (MANE Select); coding-DNA position 9220, G replaced by A.
Protein change: p.Glu3074Lys; replaces glutamic acid 3074 with lysine.
Molecular consequence: missense variant.
Genome position (GRCh38, 1-based): chr7:92,089,391, G>A. VCF-style: chr7-92089391-G-A. GRCh37 (hg19) VCF-style: chr7-91718705-G-A.
Other names: c.3865G>A, p.Glu1289Lys (NM_001379277.1); c.9196G>A, p.Glu3066Lys (NM_147185.3); short protein forms E3074K, E3066K, E1289K.
Identifiers: ClinVar variation 3669905 (VCV003669905.2).

ClinVar aggregate classification (germline): Uncertain significance (1 of 4 stars; one submission).

Conditions:
Long QT syndrome (LQTS). Identifiers: MedGen C0023976, MeSH D008133, MONDO:0002442. Disease mechanism: loss of function. Inheritance: Various modes of inheritance.

Submission:

Labcorp Genetics (formerly Invitae), Labcorp
Classification: Uncertain significance for Long QT syndrome. Last evaluated: 2024-03-07. Review status: criteria provided, single submitter. Criteria: Invitae Variant Classification Sherloc (09022015). Collection method: clinical testing. Allele origin: germline.
Comment: This sequence change replaces glutamic acid, which is acidic and polar, with lysine, which is basic and polar, at codon 3074 of the AKAP9 protein (p.Glu3074Lys). This variant is not present in population databases (gnomAD no frequency). This variant has not been reported in the literature in individuals affected with AKAP9-related conditions. An algorithm developed to predict the effect of missense changes on protein structure and function (PolyPhen-2) suggests that this variant is likely to be tolerated. In summary, the available evidence is currently insufficient to determine the role of this variant in disease. Therefore, it has been classified as a Variant of Uncertain Significance.